The following is an entry in ClinVar:

NM_001457.4(FLNB):c.1111G>A (p.Ala371Thr)

Gene: FLNB (filamin B; plus strand). Cytogenetic location: 3p14.3.
Variant type: single nucleotide variant.
Coding change: c.1111G>A on transcript NM_001457.4 (MANE Select); coding-DNA position 1111, G replaced by A.
Protein change: p.Ala371Thr; replaces alanine 371 with threonine.
Molecular consequence: missense variant.
Genome position (GRCh38, 1-based): chr3:58,097,941, G>A. VCF-style: chr3-58097941-G-A. GRCh37 (hg19) VCF-style: chr3-58083668-G-A.
Other names: c.1111G>A, p.Ala371Thr (NM_001164317.2, NM_001164318.2, NM_001164319.2); short protein forms A371T.
Identifiers: ClinVar variation 2059509 (VCV002059509.4), dbSNP rs201867517, ClinGen allele CA2467699.

ClinVar aggregate classification (germline): Uncertain significance (1 of 4 stars; one submission).

Allele frequency attached by ClinVar (database versions not stated): ExAC 0.00002; TOPMed 0.00002; gnomAD 0.00003; gnomAD exomes 0.00003.

Submission:

Labcorp Genetics (formerly Invitae), Labcorp
Classification: Uncertain significance. Last evaluated: 2025-12-10. Review status: criteria provided, single submitter. Criteria: Invitae Variant Classification Sherloc (09022015). Collection method: clinical testing. Allele origin: germline.
Comment: This sequence change replaces alanine, which is neutral and non-polar, with threonine, which is neutral and polar, at codon 371 of the FLNB protein (p.Ala371Thr). This variant is present in population databases (rs201867517, gnomAD 0.004%). This variant has not been reported in the literature in individuals affected with FLNB-related conditions. ClinVar contains an entry for this variant (Variation ID: 2059509). Invitae Evidence Modeling of protein sequence and biophysical properties (such as structural, functional, and spatial information, amino acid conservation, physicochemical variation, residue mobility, and thermodynamic stability) indicates that this missense variant is not expected to disrupt FLNB protein function with a negative predictive value of 95%. In summary, the available evidence is currently insufficient to determine the role of this variant in disease. Therefore, it has been classified as a Variant of Uncertain Significance.